The following is an entry in ClinVar:

NM_025136.4(OPA3):c.479G>C (p.Arg160Pro)

Genes: OPA3 (outer mitochondrial membrane lipid metabolism regulator OPA3; minus strand), OPA3-RTN2 (OPA3-RTN2 readthrough; minus strand). Cytogenetic location: 19q13.32.
Variant type: single nucleotide variant.
Coding change: c.479G>C on transcript NM_025136.4 (MANE Select); coding-DNA position 479, G replaced by C.
Protein change: p.Arg160Pro; replaces arginine 160 with proline.
Molecular consequence: missense variant. On other transcripts: intron variant (1).
Genome position (GRCh38, 1-based): chr19:45,553,575, C>G on the plus strand (G>C on the coding strand, the complement: OPA3 is on the minus strand). VCF-style: chr19-45553575-C-G. GRCh37 (hg19) VCF-style: chr19-46056833-C-G.
Other names: c.143-24119G>C (NM_001017989.3); short protein forms R160P.
Identifiers: ClinVar variation 4791186 (VCV004791186.2).

ClinVar aggregate classification (germline): Uncertain significance. Review status: criteria provided, multiple submitters, no conflicts (2 of 4 stars). 2 submissions from 2 submitters: Uncertain significance (2). Last evaluated 2025-05-26.

Conditions:
Optic atrophy 3 (OPA3). Also called: OPTIC ATROPHY 3, AUTOSOMAL DOMINANT; Optic atrophy, cataract, and neurologic disorder; Optic atrophy 3 with cataract. Identifiers: Orphanet 67036, MedGen C1833809, MONDO:0008133, OMIM 165300.
3-Methylglutaconic aciduria type 3 (MGCA3). Also called: OPA3, AUTOSOMAL RECESSIVE; OPTIC ATROPHY 3, AUTOSOMAL RECESSIVE; Costeff Syndrome; OPA3-Related 3-Methylglutaconic Aciduria. Identifiers: Orphanet 67047, MedGen C0574084, MONDO:0009787, OMIM 258501.

gnomAD v4.1: 1 of 1,612,940 alleles (0.000062%); highest among the groups gnomAD compares: African/African-American, 0.0013%; no homozygotes.

Submissions (2):

Labcorp Genetics (formerly Invitae), Labcorp
Classification: Uncertain significance for 3-Methylglutaconic aciduria type 3; Optic atrophy 3. Last evaluated: 2025-05-26. Review status: criteria provided, single submitter. Criteria: Invitae Variant Classification Sherloc (09022015). Collection method: clinical testing. Allele origin: germline.
Comment: This sequence change replaces arginine, which is basic and polar, with proline, which is neutral and non-polar, at codon 160 of the OPA3 protein (p.Arg160Pro). This variant is present in population databases (no rsID available, gnomAD 0.007%). This variant has not been reported in the literature in individuals affected with OPA3-related conditions. An algorithm developed to predict the effect of missense changes on protein structure and function (PolyPhen-2) suggests that this variant is likely to be disruptive. In summary, the available evidence is currently insufficient to determine the role of this variant in disease. Therefore, it has been classified as a Variant of Uncertain Significance.

Blueprint Genetics
Classification: Uncertain significance. Last evaluated: 2019-09-16. Review status: criteria provided, single submitter. Criteria: ACMG Guidelines, 2015. Collection method: clinical testing. Allele origin: germline.